The following is an entry in ClinVar:

NM_000780.4(CYP7A1):c.413T>C (p.Leu138Ser)

Gene: CYP7A1 (cytochrome P450 family 7 subfamily A member 1; minus strand). Cytogenetic location: 8q12.1.
Variant type: single nucleotide variant.
Coding change: c.413T>C on transcript NM_000780.4 (MANE Select); coding-DNA position 413, T replaced by C.
Protein change: p.Leu138Ser; replaces leucine 138 with serine.
Molecular consequence: missense variant.
Genome position (GRCh38, 1-based): chr8:58,497,099, A>G on the plus strand (T>C on the coding strand, the complement: CYP7A1 is on the minus strand). VCF-style: chr8-58497099-A-G. GRCh37 (hg19) VCF-style: chr8-59409658-A-G.
Other names: short protein forms L138S.
Identifiers: ClinVar variation 3270706 (VCV003270706.4).

ClinVar aggregate classification (germline): Uncertain significance. Review status: criteria provided, multiple submitters, no conflicts (2 of 4 stars). 3 submissions from 3 submitters: Uncertain significance (2). 1 of the submissions does not count toward it. Last evaluated 2025-05-11.

Conditions:
CYP7A1-related disorder. Also called: CYP7A1-related condition.

gnomAD v4.1: 115 of 1,600,662 alleles (0.0072%); highest among the groups gnomAD compares: Admixed American, 0.015%; no homozygotes.

Submissions (3):

Labcorp Genetics (formerly Invitae), Labcorp
Classification: Uncertain significance. Last evaluated: 2025-05-11. Review status: criteria provided, single submitter. Criteria: Invitae Variant Classification Sherloc (09022015). Collection method: clinical testing. Allele origin: germline.
Comment: This sequence change replaces leucine, which is neutral and non-polar, with serine, which is neutral and polar, at codon 138 of the CYP7A1 protein (p.Leu138Ser). This variant is present in population databases (rs768849156, gnomAD 0.009%). This variant has not been reported in the literature in individuals affected with CYP7A1-related conditions. ClinVar contains an entry for this variant (Variation ID: 3270706). Invitae Evidence Modeling of protein sequence and biophysical properties (such as structural, functional, and spatial information, amino acid conservation, physicochemical variation, residue mobility, and thermodynamic stability) indicates that this missense variant is expected to disrupt CYP7A1 protein function with a positive predictive value of 80%. In summary, the available evidence is currently insufficient to determine the role of this variant in disease. Therefore, it has been classified as a Variant of Uncertain Significance.

Ambry Genetics
Classification: Uncertain significance. Last evaluated: 2024-05-07. Review status: criteria provided, single submitter. Criteria: Ambry Variant Classification Scheme 2023. Collection method: clinical testing. Allele origin: germline.

PreventionGenetics, part of Exact Sciences
Classification: Uncertain significance for CYP7A1-related condition. Last evaluated: 2024-06-12. Review status: no assertion criteria provided. Collection method: clinical testing. Allele origin: germline. Not counted in ClinVar's aggregate classification.
Comment: The CYP7A1 c.413T>C variant is predicted to result in the amino acid substitution p.Leu138Ser. To our knowledge, this variant has not been reported in the literature. This variant is reported in 0.011% of alleles in individuals of Latino descent in gnomAD. At this time, the clinical significance of this variant is uncertain due to the absence of conclusive functional and genetic evidence.